The following is an entry in ClinVar:

ClinVar aggregate classification (germline): Uncertain significance. Review status: criteria provided, multiple submitters, no conflicts (2 of 4 stars). 2 submissions from 2 submitters: Uncertain significance (2). Last evaluated 2020-12-16.

Conditions:
RYR1-related disorder. Also called: RYR1-related disorders; RYR1-related condition. Identifiers: MedGen CN239331.

Allele frequency attached by ClinVar (database versions not stated): ExAC 0.00001; TOPMed 0.00001.

Submissions (2):

Labcorp Genetics (formerly Invitae), Labcorp
Classification: Uncertain significance for RYR1-related disorder. Last evaluated: 2020-12-16. Review status: criteria provided, single submitter. Criteria: Invitae Variant Classification Sherloc (09022015). Collection method: clinical testing. Allele origin: germline.
Comment: This variant has not been reported in the literature in individuals with RYR1-related conditions. In summary, the available evidence is currently insufficient to determine the role of this variant in disease. Therefore, it has been classified as a Variant of Uncertain Significance. Advanced modeling of protein sequence and biophysical properties (such as structural, functional, and spatial information, amino acid conservation, physicochemical variation, residue mobility, and thermodynamic stability) performed at Invitae indicates that this missense variant is not expected to disrupt RYR1 protein function. This variant is present in population databases (rs112596687, ExAC 0.01%). This sequence change replaces methionine with threonine at codon 226 of the RYR1 protein (p.Met226Thr). The methionine residue is highly conserved and there is a moderate physicochemical difference between methionine and threonine.

Blueprint Genetics
Classification: Uncertain significance. Last evaluated: 2020-12-09. Review status: criteria provided, single submitter. Criteria: ACMG Guidelines, 2015. Collection method: clinical testing. Allele origin: germline.

NM_000540.3(RYR1):c.677T>C (p.Met226Thr)

Gene: RYR1 (ryanodine receptor 1; plus strand). Cytogenetic location: 19q13.2.
Variant type: single nucleotide variant.
Coding change: c.677T>C on transcript NM_000540.3 (MANE Select); coding-DNA position 677, T replaced by C.
Protein change: p.Met226Thr; replaces methionine 226 with threonine.
Molecular consequence: missense variant.
Genome position (GRCh38, 1-based): chr19:38,446,517, T>C. VCF-style: chr19-38446517-T-C. GRCh37 (hg19) VCF-style: chr19-38937157-T-C.
Other names: c.677T>C, p.Met226Thr (NM_001042723.2); short protein forms M226T.
Identifiers: ClinVar variation 1440509 (VCV001440509.9), dbSNP rs112596687, ClinGen allele CA068666.